The following is an entry in ClinVar:

ClinVar aggregate classification (germline): Likely benign (1 of 4 stars; one submission).

gnomAD v4.1: 2 of 1,613,958 alleles (0.00012%); highest among the groups gnomAD compares: South Asian, 0.0022%; no homozygotes.

Submission:

CeGaT Center for Human Genetics Tuebingen
Classification: Likely benign. Last evaluated: 2025-04-01. Review status: criteria provided, single submitter. Criteria: CeGaT Center For Human Genetics Tuebingen Variant Classification Criteria Version 2. Collection method: clinical testing. Allele origin: germline. Affected: yes. Observed: 1 variant allele.
Comment: ATG2B: BP4, BP7

NM_018036.7(ATG2B):c.4077C>T (p.Leu1359=)

Gene: ATG2B (autophagy related 2B; minus strand). Cytogenetic location: 14q32.2.
Variant type: single nucleotide variant.
Coding change: c.4077C>T on transcript NM_018036.7 (MANE Select); coding-DNA position 4077, C replaced by T.
Protein change: p.Leu1359=; no amino-acid change (leucine 1359 retained).
Molecular consequence: synonymous variant.
Genome position (GRCh38, 1-based): chr14:96,311,201, G>A on the plus strand (C>T on the coding strand, the complement: ATG2B is on the minus strand). VCF-style: chr14-96311201-G-A. GRCh37 (hg19) VCF-style: chr14-96777538-G-A.
Identifiers: ClinVar variation 3898518 (VCV003898518.7).
Genomic context (GRCh38, chr14:96,311,201, plus strand): 5'-AGGCTTCATATCTGCCTTGTTAGGTGTCTGCAAGTCACCATAGCTTGCAATGTACTGAAT[G>A]AGATTCATTAACGCAGCACAAGAGTCTGAGCACGTTCTGATATGGACAACATCGCTGGAA-3'
Protein context (NP_060506.6, residues 1349-1369): CSDSCAALMN[Leu1359=]IQYIASYGDL